The following is an entry in ClinVar:

NC_000006.11:g.(?_7582865)_(7586121_?)del

Gene: DSP (desmoplakin; plus strand). Cytogenetic location: 6p24.3.
Variant type: Deletion.
Identifiers: ClinVar variation 2425110 (VCV002425110.6).

ClinVar aggregate classification (germline): Pathogenic (1 of 4 stars; one submission).

Conditions:
Arrhythmogenic right ventricular dysplasia 8 (ARVD8). Also called: Arrhythmogenic Right Ventricular Dysplasia/Cardiomyopathy 8; ARRHYTHMOGENIC RIGHT VENTRICULAR DYSPLASIA, FAMILIAL, 8; ARRHYTHMOGENIC RIGHT VENTRICULAR CARDIOMYOPATHY 8. Identifiers: MedGen C1843896, MONDO:0011831, OMIM 607450.
Arrhythmogenic cardiomyopathy with wooly hair and keratoderma. Also called: Carvajal syndrome; PALMOPLANTAR KERATODERMA WITH LEFT VENTRICULAR CARDIOMYOPATHY AND WOOLLY HAIR; Dilated cardiomyopathy with woolly hair and keratoderma; Arrhythmogenic cardiomyopathy with woolly hair and keratoderma. Identifiers: Orphanet 65282, MedGen C1854063, MONDO:0011581, OMIM 605676.

Submission:

Labcorp Genetics (formerly Invitae), Labcorp
Classification: Pathogenic for Arrhythmogenic cardiomyopathy with wooly hair and keratoderma; Arrhythmogenic right ventricular dysplasia 8. Last evaluated: 2021-01-15. Review status: criteria provided, single submitter. Criteria: Invitae Variant Classification Sherloc (09022015). Collection method: clinical testing. Allele origin: germline.
Comment: This sequence change creates a premature translational stop signal (p.Glu1891Argfs*17) in the DSP gene. While this is not anticipated to result in nonsense mediated decay, it is expected to disrupt the last 981 amino acid(s) of the DSP protein. This variant is not present in population databases (ExAC no frequency). This variant has not been reported in the literature in individuals with DSP-related conditions. This variant disrupts the C-terminus of the DSP protein. Other variants that disrupt this region (p.7901delG) have been determined to be pathogenic (PMID: 11063735). This suggests that variants that disrupt this region of the protein are likely to be causative of disease. For these reasons, this variant has been classified as Pathogenic.

Literature cited by the submitters: PubMed 11063735.